The following is an entry in ClinVar:

ClinVar aggregate classification (germline): Pathogenic. Review status: criteria provided, multiple submitters, no conflicts (2 of 4 stars). 2 submissions from 2 submitters: Pathogenic (2). Last evaluated 2023-06-23.

Conditions:
Familial cancer of breast. Also called: BREAST CANCER, FAMILIAL; hereditary breast carcinoma; Hereditary breast cancer. Identifiers: Orphanet 227535, MedGen C0346153, MONDO:0016419, OMIM 114480. Disease mechanism: loss of function.

Submissions (2):

Myriad Genetics, Inc.
Classification: Pathogenic for Familial cancer of breast. Last evaluated: 2023-06-23. Review status: criteria provided, single submitter. Criteria: Myriad Autosomal Dominant, Autosomal Recessive and X-Linked Classification Criteria (2023). Collection method: clinical testing. Allele origin: unknown.
Comment: This variant is considered pathogenic. This variant creates a frameshift predicted to result in premature protein truncation.

Labcorp Genetics (formerly Invitae), Labcorp
Classification: Pathogenic for Familial cancer of breast. Last evaluated: 2017-03-23. Review status: criteria provided, single submitter. Criteria: Invitae Variant Classification Sherloc (09022015). Collection method: clinical testing. Allele origin: germline.
Comment: This sequence change deletes 1 nucleotide from exon 3 of the CHEK2 mRNA (c.433delC), causing a frameshift at codon 145. This creates a premature translational stop signal (p.Arg145Glyfs*16) and is expected to result in an absent or disrupted protein product. While this particular variant has not been reported in the literature, loss-of-function variants in CHEK2 are known to be pathogenic (PMID: 21876083, 24713400). For these reasons, this variant has been classified as Pathogenic.

Literature cited by the submitters: PubMed 21876083 (cited by Labcorp Genetics (formerly Invitae), Labcorp); PubMed 24713400 (cited by Labcorp Genetics (formerly Invitae), Labcorp).

NM_007194.4(CHEK2):c.433del (p.Arg145fs)

Gene: CHEK2 (checkpoint kinase 2; minus strand). Cytogenetic location: 22q12.1.
Variant type: Deletion.
Coding change: c.433del on transcript NM_007194.4 (MANE Select); coding-DNA position 433, one base deleted (C; older notation c.433delC).
Protein change: p.Arg145fs; shifts the reading frame from arginine 145.
Molecular consequence: frameshift variant.
Genome position (GRCh38, 1-based): chr22:28,725,254, G deleted on the plus strand (C on the coding strand, the reverse complement: CHEK2 is on the minus strand). VCF-style (leftmost placement, unchanged base first): chr22-28725253-CG-C. GRCh37 (hg19) VCF-style: chr22-29121241-CG-C.
Other names: c.562delC, p.Arg188Glyfs (NM_001005735.3); c.-345delC (NM_001257387.3); c.433delC, p.Arg145Glyfs (NM_001349956.3, NM_145862.3); short protein forms R188fs, R145fs.
Identifiers: ClinVar variation 460834 (VCV000460834.9), dbSNP rs1555927137, ClinGen allele CA658656834.